The following is an entry in ClinVar:

ClinVar aggregate classification (germline): Benign/Likely benign. Review status: criteria provided, multiple submitters, no conflicts (2 of 4 stars). 3 submissions from 3 submitters: Benign (1); Likely benign (1). 1 of the submissions does not count toward it. Last evaluated 2024-09-23.

Conditions:
BCOR-related disorder. Also called: BCOR-related disorders; BCOR-related condition.
Oculofaciocardiodental syndrome (MCOPS2). Identifiers: Orphanet 2712, MedGen C1846265, MONDO:0010261, OMIM 300166.

Allele frequency attached by ClinVar (database versions not stated): gnomAD exomes 0.00008; ExAC 0.00011; TOPMed 0.00019; gnomAD 0.00020.
gnomAD v4.1: 110 of 1,111,322 alleles (0.0099%); highest among the groups gnomAD compares: African/African-American, 0.052%; no homozygotes.

Submissions (3):

Labcorp Genetics (formerly Invitae), Labcorp
Classification: Benign for Oculofaciocardiodental syndrome. Last evaluated: 2024-09-23. Review status: criteria provided, single submitter. Criteria: Invitae Variant Classification Sherloc (09022015). Collection method: clinical testing. Allele origin: germline.

Blueprint Genetics
Classification: Likely benign. Last evaluated: 2024-03-28. Review status: criteria provided, single submitter. Criteria: ACMG Guidelines, 2015. Collection method: clinical testing. Allele origin: germline.

PreventionGenetics, part of Exact Sciences
Classification: Likely benign for BCOR-related condition. Last evaluated: 2022-08-09. Review status: no assertion criteria provided. Collection method: clinical testing. Allele origin: germline. Not counted in ClinVar's aggregate classification.
Comment: This variant is classified as likely benign based on ACMG/AMP sequence variant interpretation guidelines (Richards et al. 2015 PMID: 25741868, with internal and published modifications).

NM_001123385.2(BCOR):c.3893C>T (p.Ser1298Phe)

Gene: BCOR (BCL6 corepressor; minus strand). Cytogenetic location: Xp11.4.
Variant type: single nucleotide variant.
Coding change: c.3893C>T on transcript NM_001123385.2 (MANE Select); coding-DNA position 3893, C replaced by T.
Protein change: p.Ser1298Phe; replaces serine 1298 with phenylalanine.
Molecular consequence: missense variant.
Genome position (GRCh38, 1-based): chrX:40,063,026, G>A on the plus strand (C>T on the coding strand, the complement: BCOR is on the minus strand). VCF-style: chrX-40063026-G-A. GRCh37 (hg19) VCF-style: chrX-39922279-G-A.
Other names: c.3791C>T, p.Ser1264Phe (NM_001123383.2, NM_017745.6); c.3737C>T, p.Ser1246Phe (NM_001123384.2); short protein forms S1298F, S1246F, S1264F.
Identifiers: ClinVar variation 2904557 (VCV002904557.6), dbSNP rs749073971, ClinGen allele CA10386537.